The following is an entry in ClinVar:

NM_000520.6(HEXA):c.276dup (p.Asn93fs)

Gene: HEXA (hexosaminidase subunit alpha; minus strand). Cytogenetic location: 15q23.
Variant type: Duplication.
Coding change: c.276dup on transcript NM_000520.6 (MANE Select); coding-DNA position 276, one base duplicated (G; older notation c.276dupG).
Protein change: p.Asn93fs; shifts the reading frame from asparagine 93.
Molecular consequence: frameshift variant. On other transcripts: non-coding transcript variant (1).
Genome position (GRCh38, 1-based): chr15:72,356,595, C duplicated on the plus strand (G on the coding strand, the reverse complement: HEXA is on the minus strand). VCF-style (leftmost placement, unchanged base first): chr15-72356594-T-TC. GRCh37 (hg19) VCF-style: chr15-72648935-T-TC.
Other names: c.309dup, p.Asn104fs (NM_001318825.2); short protein forms N104fs, N93fs.
Identifiers: ClinVar variation 853583 (VCV000853583.8), dbSNP rs2088785055, ClinGen allele CA916083440.

ClinVar aggregate classification (germline): Pathogenic (1 of 4 stars; one submission).

Conditions:
Tay-Sachs disease (TSD). Also called: HEXA DEFICIENCY; GM2 gangliosidosis, type 1; Hexosaminidase alpha-subunit deficiency (variant B); Sphingolipidosis, Tay-Sachs; HEXA Disorders; Hexosaminidase A Deficiency. Identifiers: Orphanet 845, MedGen C0039373, MONDO:0010100, OMIM 272800.

Submission:

Labcorp Genetics (formerly Invitae), Labcorp
Classification: Pathogenic for Tay-Sachs disease. Last evaluated: 2019-12-31. Review status: criteria provided, single submitter. Criteria: Invitae Variant Classification Sherloc (09022015). Collection method: clinical testing. Allele origin: germline.
Comment: For these reasons, this variant has been classified as Pathogenic. Loss-of-function variants in HEXA are known to be pathogenic (PMID: 1833974, 8490625). This variant has not been reported in the literature in individuals with HEXA-related conditions. This variant is not present in population databases (ExAC no frequency). This sequence change creates a premature translational stop signal (p.Asn93Glufs*13) in the HEXA gene. It is expected to result in an absent or disrupted protein product.

Literature cited by the submitters: PubMed 1833974; PubMed 8490625.